The following is an entry in ClinVar:

ClinVar aggregate classification (germline): Uncertain significance (1 of 4 stars; one submission).

Conditions:
Tuberous sclerosis 1 (TSC1). Identifiers: Orphanet 805, MedGen C1854465, MONDO:0008612, OMIM 191100.

Submission:

Labcorp Genetics (formerly Invitae), Labcorp
Classification: Uncertain significance for Tuberous sclerosis 1. Last evaluated: 2022-02-09. Review status: criteria provided, single submitter. Criteria: Invitae Variant Classification Sherloc (09022015). Collection method: clinical testing. Allele origin: germline.
Comment: In summary, the available evidence is currently insufficient to determine the role of this variant in disease. Therefore, it has been classified as a Variant of Uncertain Significance. Algorithms developed to predict the effect of missense changes on protein structure and function are either unavailable or do not agree on the potential impact of this missense change (SIFT: "Deleterious"; PolyPhen-2: "Benign"; Align-GVGD: "Class C0"). This sequence change replaces arginine, which is basic and polar, with serine, which is neutral and polar, at codon 1033 of the TSC1 protein (p.Arg1033Ser). This variant is not present in population databases (gnomAD no frequency). This variant has not been reported in the literature in individuals affected with TSC1-related conditions.

NM_000368.5(TSC1):c.3099A>T (p.Arg1033Ser)

Gene: TSC1 (TSC complex subunit 1; minus strand). Cytogenetic location: 9q34.13.
Variant type: single nucleotide variant.
Coding change: c.3099A>T on transcript NM_000368.5 (MANE Select); coding-DNA position 3099, A replaced by T.
Protein change: p.Arg1033Ser; replaces arginine 1033 with serine.
Molecular consequence: missense variant.
Genome position (GRCh38, 1-based): chr9:132,896,631, T>A on the plus strand (A>T on the coding strand, the complement: TSC1 is on the minus strand). VCF-style: chr9-132896631-T-A. GRCh37 (hg19) VCF-style: chr9-135772018-T-A.
Other names: c.3096A>T, p.Arg1032Ser (NM_001162426.2, NM_001406597.1, NM_001406598.1 and 2 more transcripts); c.2946A>T, p.Arg982Ser (NM_001162427.2, NM_001406610.1); c.2736A>T, p.Arg912Ser (NM_001362177.2, NM_001406614.1, NM_001406615.1 and 4 more transcripts); c.3099A>T, p.Arg1033Ser (NM_001406592.1, NM_001406593.1, NM_001406594.1 and 2 more transcripts); c.3084A>T, p.Arg1028Ser (NM_001406601.1, NM_001406602.1); c.2901A>T, p.Arg967Ser (NM_001406613.1); c.2733A>T, p.Arg911Ser (NM_001406620.1, NM_001406621.1, NM_001406622.1 and 1 more transcripts); c.2694A>T, p.Arg898Ser (NM_001406624.1); and 8 more; short protein forms R1018S, R1019S, R1027S, R1032S, R682S, R716S, R897S, R898S.
Identifiers: ClinVar variation 2095376 (VCV002095376.4), dbSNP rs1015742388, ClinGen allele CA200925644.